The following is an entry in ClinVar:

ClinVar aggregate classification (germline): Likely benign (1 of 4 stars; one submission).

Submission:

Laboratory for Molecular Medicine, Mass General Brigham Personalized Medicine
Classification: Likely benign. Last evaluated: 2015-11-09. Review status: criteria provided, single submitter. Criteria: LMM Criteria. Collection method: clinical testing. Allele origin: germline. Observed: 1 variant allele.
Comment: c.799-4C>A in intron 5 of COL11A2: This variant is not expected to have clinical significance because it is not located within the splice consensus sequence and splice prediction tools do not suggest an impact to the canonical splice site.

NM_080680.3(COL11A2):c.799-4C>A

Gene: COL11A2 (collagen type XI alpha 2 chain; minus strand). Cytogenetic location: 6p21.32.
Variant type: single nucleotide variant.
Coding change: c.799-4C>A on transcript NM_080680.3 (MANE Select); 4 bases into the intron before coding-DNA position 799, C replaced by A.
Molecular consequence: intron variant.
Genome position (GRCh38, 1-based): chr6:33,185,782, G>T on the plus strand (C>A on the coding strand, the complement: COL11A2 is on the minus strand). VCF-style: chr6-33185782-G-T. GRCh37 (hg19) VCF-style: chr6-33153559-G-T.
Other names: c.798+845C>A (NM_080679.3); c.799-728C>A (NM_080681.3).
Identifiers: ClinVar variation 227274 (VCV000227274.4), dbSNP rs111227109, ClinGen allele CA10576689.